The following is an entry in ClinVar:

NM_000135.4(FANCA):c.2317-1G>A

Gene: FANCA (FA complementation group A; minus strand). Cytogenetic location: 16q24.3.
Variant type: single nucleotide variant.
Coding change: c.2317-1G>A on transcript NM_000135.4 (MANE Select); the canonical splice acceptor site of the intron before coding-DNA position 2317, G replaced by A.
Molecular consequence: splice acceptor variant.
Genome position (GRCh38, 1-based): chr16:89,770,025, C>T on the plus strand (G>A on the coding strand, the complement: FANCA is on the minus strand). VCF-style: chr16-89770025-C-T. GRCh37 (hg19) VCF-style: chr16-89836433-C-T.
Other names: c.2317-1G>A (NM_001286167.3).
Identifiers: ClinVar variation 1525081 (VCV001525081.8), dbSNP rs1230207719, ClinGen allele CA397444709.

ClinVar aggregate classification (germline): Likely pathogenic (1 of 4 stars; one submission).

Conditions:
Fanconi anemia (FA). Also called: Fanconi's anemia. Identifiers: Orphanet 84, MedGen C0015625, MeSH D005199, MONDO:0019391.

Submission:

Labcorp Genetics (formerly Invitae), Labcorp
Classification: Likely pathogenic for Fanconi anemia. Last evaluated: 2021-03-02. Review status: criteria provided, single submitter. Criteria: Invitae Variant Classification Sherloc (09022015). Collection method: clinical testing. Allele origin: germline.
Comment: This sequence change affects an acceptor splice site in intron 25 of the FANCA gene. It is expected to disrupt RNA splicing. Variants that disrupt the donor or acceptor splice site typically lead to a loss of protein function (PMID: 16199547), and loss-of-function variants in FANCA are known to be pathogenic (PMID: 19367192). This variant is not present in population databases (ExAC no frequency). This variant has not been reported in the literature in individuals affected with FANCA-related conditions. Algorithms developed to predict the effect of sequence changes on RNA splicing suggest that this variant may disrupt the consensus splice site, but this prediction has not been confirmed by published transcriptional studies. In summary, the currently available evidence indicates that the variant is pathogenic, but additional data are needed to prove that conclusively. Therefore, this variant has been classified as Likely Pathogenic.

Literature cited by the submitters: PubMed 16199547; PubMed 19367192.